The following is an entry in ClinVar:

NM_000465.4(BARD1):c.257G>T (p.Cys86Phe)

Gene: BARD1 (BRCA1 associated RING domain 1; minus strand). Cytogenetic location: 2q35.
Variant type: single nucleotide variant.
Coding change: c.257G>T on transcript NM_000465.4 (MANE Select); coding-DNA position 257, G replaced by T.
Protein change: p.Cys86Phe; replaces cysteine 86 with phenylalanine.
Molecular consequence: missense variant. On other transcripts: non-coding transcript variant (1), intron variant (2).
Genome position (GRCh38, 1-based): chr2:214,792,404, C>A on the plus strand (G>T on the coding strand, the complement: BARD1 is on the minus strand). VCF-style: chr2-214792404-C-A. GRCh37 (hg19) VCF-style: chr2-215657128-C-A.
Other names: c.200G>T, p.Cys67Phe (NM_001282543.2); c.257G>T, p.Cys86Phe (NM_001282549.2); c.158+17008G>T (NM_001282548.2); c.215+4657G>T (NM_001282545.2); short protein forms C67F, C86F.
Identifiers: ClinVar variation 661214 (VCV000661214.15), dbSNP rs1574839860, ClinGen allele CA350461181.

ClinVar aggregate classification (germline): Uncertain significance. Review status: criteria provided, multiple submitters, no conflicts (2 of 4 stars). 3 submissions from 3 submitters: Uncertain significance (3). Last evaluated 2024-03-06.

Conditions:
Familial cancer of breast. Also called: BREAST CANCER, FAMILIAL; hereditary breast carcinoma; Hereditary breast cancer. Identifiers: Orphanet 227535, MedGen C0346153, MONDO:0016419, OMIM 114480. Disease mechanism: loss of function.
Hereditary cancer-predisposing syndrome. Also called: Neoplastic Syndromes, Hereditary; Tumor predisposition; Hereditary neoplastic syndrome; Hereditary Cancer Syndrome. Identifiers: Orphanet 140162, MedGen C0027672, MeSH D009386, MONDO:0015356.

Submissions (3):

Color Diagnostics, LLC DBA Color Health
Classification: Uncertain significance for Hereditary cancer-predisposing syndrome. Last evaluated: 2024-03-06. Review status: criteria provided, single submitter. Criteria: ACMG Guidelines, 2015. Collection method: clinical testing. Allele origin: germline.
Comment: This missense variant replaces cysteine with phenylalanine at codon 86 of the BARD1 protein. Computational prediction suggests that this variant may have deleterious impact on protein structure and function (internally defined REVEL score threshold >= 0.7, PMID: 27666373). Splice site prediction tools suggest that this variant may not impact RNA splicing. To our knowledge, functional studies have not been performed for this variant. This variant has not been reported in individuals affected with hereditary cancer in the literature. This variant has not been identified in the general population by the Genome Aggregation Database (gnomAD). The available evidence is insufficient to determine the role of this variant in disease conclusively. Therefore, this variant is classified as a Variant of Uncertain Significance.

Baylor Genetics
Classification: Uncertain significance for Familial cancer of breast. Last evaluated: 2023-05-18. Review status: criteria provided, single submitter. Criteria: ACMG Guidelines, 2015. Collection method: clinical testing. Allele origin: unknown.

Labcorp Genetics (formerly Invitae), Labcorp
Classification: Uncertain significance for Familial cancer of breast. Last evaluated: 2018-07-16. Review status: criteria provided, single submitter. Criteria: Invitae Variant Classification Sherloc (09022015). Collection method: clinical testing. Allele origin: germline.
Comment: Algorithms developed to predict the effect of missense changes on protein structure and function (SIFT, PolyPhen-2, Align-GVGD) all suggest that this variant is likely to be disruptive, but these predictions have not been confirmed by published functional studies and their clinical significance is uncertain. In summary, the available evidence is currently insufficient to determine the role of this variant in disease. Therefore, it has been classified as a Variant of Uncertain Significance. This variant has not been reported in the literature in individuals with BARD1-related disease. This variant is not present in population databases (ExAC no frequency). This sequence change replaces cysteine with phenylalanine at codon 86 of the BARD1 protein (p.Cys86Phe). The cysteine residue is highly conserved and there is a large physicochemical difference between cysteine and phenylalanine.